The following is an entry in ClinVar:

NC_000022.11:g.40346489C>G

Gene: ADSL (adenylosuccinate lyase; plus strand). Cytogenetic location: 22q13.1.
Variant type: single nucleotide variant.
Genome position: GRCh38 VCF-style: chr22-40346489-C-G. GRCh37 (hg19) VCF-style: chr22-40742493-C-G.
Identifiers: ClinVar variation 1469076 (VCV001469076.5), dbSNP rs949660803, ClinGen allele CA753180135.
Genomic context (GRCh38, chr22:40,346,489, plus strand): 5'-GGGCGCCCGGAACCCAGAGAGCGAGACCGCGTGAAGGAAGTCCCGCCCCGCCCCGTCCTG[C>G]CCTGGCCTCCAGGTTTCCGCTTCCGCTCTTCCCTGGTCCAGTCCACCCTGGCGGGGTCGC-3'

ClinVar aggregate classification (germline): Uncertain significance (1 of 4 stars; one submission).

Conditions:
Adenylosuccinate lyase deficiency (ADSLD). Also called: ADSL DEFICIENCY. Identifiers: Orphanet 46, MedGen C0268126, MONDO:0007068, OMIM 103050.

Allele frequency attached by ClinVar (database versions not stated): gnomAD 0.00001; TOPMed 0.00002.

Submission:

Labcorp Genetics (formerly Invitae), Labcorp
Classification: Uncertain significance for Adenylosuccinate lyase deficiency. Last evaluated: 2023-12-07. Review status: criteria provided, single submitter. Criteria: Invitae Variant Classification Sherloc (09022015). Collection method: clinical testing. Allele origin: germline.
Comment: This variant occurs in a non-coding region of the ADSL gene. It does not change the encoded amino acid sequence of the ADSL protein. This variant is not present in population databases (gnomAD no frequency). This variant has not been reported in the literature in individuals affected with ADSL-related conditions. Experimental studies and prediction algorithms are not available or were not evaluated, and the functional significance of this variant is currently unknown. In summary, the available evidence is currently insufficient to determine the role of this variant in disease. Therefore, it has been classified as a Variant of Uncertain Significance.